The following is an entry in ClinVar:

ClinVar aggregate classification (germline): Uncertain significance (1 of 4 stars; one submission).

Submission:

Labcorp Genetics (formerly Invitae), Labcorp
Classification: Uncertain significance. Last evaluated: 2025-07-09. Review status: criteria provided, single submitter. Criteria: Invitae Variant Classification Sherloc (09022015). Collection method: clinical testing. Allele origin: germline.
Comment: This sequence change replaces threonine, which is neutral and polar, with serine, which is neutral and polar, at codon 244 of the HYOU1 protein (p.Thr244Ser). This variant is not present in population databases (gnomAD no frequency). This variant has not been reported in the literature in individuals affected with HYOU1-related conditions. An algorithm developed to predict the effect of missense changes on protein structure and function (PolyPhen-2) suggests that this variant is likely to be tolerated. In summary, the available evidence is currently insufficient to determine the role of this variant in disease. Therefore, it has been classified as a Variant of Uncertain Significance.

NM_006389.5(HYOU1):c.731C>G (p.Thr244Ser)

Gene: HYOU1 (hypoxia up-regulated 1; minus strand). Cytogenetic location: 11q23.3.
Variant type: single nucleotide variant.
Coding change: c.731C>G on transcript NM_006389.5 (MANE Select); coding-DNA position 731, C replaced by G.
Protein change: p.Thr244Ser; replaces threonine 244 with serine.
Molecular consequence: missense variant.
Genome position (GRCh38, 1-based): chr11:119,054,184, G>C on the plus strand (C>G on the coding strand, the complement: HYOU1 is on the minus strand). VCF-style: chr11-119054184-G-C. GRCh37 (hg19) VCF-style: chr11-118924896-G-C.
Other names: c.731C>G, p.Thr244Ser (NM_001130991.3, NM_001411041.1); short protein forms T244S.
Identifiers: ClinVar variation 4804922 (VCV004804922.1).
Genomic context (GRCh38, chr11:119,054,184, plus strand): 5'-ACTCCCCGGATCTGCAGCTGTGGCTGCATCCCAGCTTCCTTAGTCTTCACCATCTGGTAG[G>C]TCACAATGGTGCATACGGTGCTGCCTGAGCCCATGTCATAGAACATGATATTCTGTAGAG-3'
Protein context (NP_006380.1, residues 234-254): GSGSTVCTIV[Thr244Ser]YQMVKTKEAG